The following is an entry in ClinVar:

NM_017570.5(OPLAH):c.3745G>C (p.Gly1249Arg)

Gene: OPLAH (5-oxoprolinase, ATP-hydrolysing; minus strand). Cytogenetic location: 8q24.3.
Variant type: single nucleotide variant.
Coding change: c.3745G>C on transcript NM_017570.5 (MANE Select); coding-DNA position 3745, G replaced by C.
Protein change: p.Gly1249Arg; replaces glycine 1249 with arginine.
Molecular consequence: missense variant.
Genome position (GRCh38, 1-based): chr8:144,051,448, C>G on the plus strand (G>C on the coding strand, the complement: OPLAH is on the minus strand). VCF-style: chr8-144051448-C-G. GRCh37 (hg19) VCF-style: chr8-145106349-C-G.
Other names: short protein forms G1249R.
Identifiers: ClinVar variation 1908069 (VCV001908069.5), dbSNP rs782337969, ClinGen allele CA4931001.

ClinVar aggregate classification (germline): Uncertain significance (1 of 4 stars; one submission).

Conditions:
5-Oxoprolinase deficiency (OPLAHD). Also called: 5-OXOPROLINURIA DUE TO 5-OXOPROLINASE DEFICIENCY. Identifiers: Orphanet 33572, MedGen C0268525, MONDO:0009825, OMIM 260005, HP:0040142.

Allele frequency attached by ClinVar (database versions not stated): ExAC 0.00001.

Submission:

Labcorp Genetics (formerly Invitae), Labcorp
Classification: Uncertain significance for 5-Oxoprolinase deficiency. Last evaluated: 2022-03-27. Review status: criteria provided, single submitter. Criteria: Invitae Variant Classification Sherloc (09022015). Collection method: clinical testing. Allele origin: germline.
Comment: In summary, the available evidence is currently insufficient to determine the role of this variant in disease. Therefore, it has been classified as a Variant of Uncertain Significance. Experimental studies and prediction algorithms are not available or were not evaluated, and the functional significance of this variant is currently unknown. This variant has not been reported in the literature in individuals affected with OPLAH-related conditions. The frequency data for this variant in the population databases is considered unreliable, as metrics indicate poor data quality at this position in the gnomAD database. This sequence change replaces glycine, which is neutral and non-polar, with arginine, which is basic and polar, at codon 1249 of the OPLAH protein (p.Gly1249Arg).